The following is an entry in ClinVar:

ClinVar aggregate classification (germline): Uncertain significance (1 of 4 stars; one submission).

Allele frequency attached by ClinVar (database versions not stated): gnomAD exomes below 0.00001; ExAC 0.00001; gnomAD 0.00001.
gnomAD v4.1: 9 of 1,614,040 alleles (0.00056%); highest among the groups gnomAD compares: Admixed American, 0.01%; no homozygotes.

Submission:

Labcorp Genetics (formerly Invitae), Labcorp
Classification: Uncertain significance. Last evaluated: 2022-02-08. Review status: criteria provided, single submitter. Criteria: Invitae Variant Classification Sherloc (09022015). Collection method: clinical testing. Allele origin: germline.
Comment: This sequence change replaces cysteine, which is neutral and slightly polar, with arginine, which is basic and polar, at codon 140 of the C8B protein (p.Cys140Arg). This variant is present in population databases (rs767375928, gnomAD 0.0009%). This variant has not been reported in the literature in individuals affected with C8B-related conditions. Algorithms developed to predict the effect of missense changes on protein structure and function (SIFT, PolyPhen-2, Align-GVGD) all suggest that this variant is likely to be disruptive. In summary, the available evidence is currently insufficient to determine the role of this variant in disease. Therefore, it has been classified as a Variant of Uncertain Significance.

NM_000066.4(C8B):c.418T>C (p.Cys140Arg)

Gene: C8B (complement C8 beta chain; minus strand). Cytogenetic location: 1p32.2.
Variant type: single nucleotide variant.
Coding change: c.418T>C on transcript NM_000066.4 (MANE Select); coding-DNA position 418, T replaced by C.
Protein change: p.Cys140Arg; replaces cysteine 140 with arginine.
Molecular consequence: missense variant.
Genome position (GRCh38, 1-based): chr1:56,954,801, A>G on the plus strand (T>C on the coding strand, the complement: C8B is on the minus strand). VCF-style: chr1-56954801-A-G. GRCh37 (hg19) VCF-style: chr1-57420474-A-G.
Other names: c.262T>C, p.Cys88Arg (NM_001278543.2); c.232T>C, p.Cys78Arg (NM_001278544.2); short protein forms C140R, C78R, C88R.
Identifiers: ClinVar variation 1352492 (VCV001352492.3), dbSNP rs767375928, ClinGen allele CA875981.